The following is an entry in ClinVar:

ClinVar aggregate classification (germline): Uncertain significance (1 of 4 stars; one submission).

Allele frequency attached by ClinVar (database versions not stated): 1000 Genomes Project 30x 0.00016; 1000 Genomes Project 0.00020.
gnomAD v4.1: 103 of 1,610,938 alleles (0.0064%); highest among the groups gnomAD compares: South Asian, 0.11%; no homozygotes.

Submission:

Labcorp Genetics (formerly Invitae), Labcorp
Classification: Uncertain significance. Last evaluated: 2023-12-15. Review status: criteria provided, single submitter. Criteria: Invitae Variant Classification Sherloc (09022015). Collection method: clinical testing. Allele origin: germline.
Comment: This sequence change replaces histidine, which is basic and polar, with glutamine, which is neutral and polar, at codon 663 of the NIN protein (p.His663Gln). This variant is present in population databases (rs557582869, gnomAD 0.09%), and has an allele count higher than expected for a pathogenic variant. This variant has not been reported in the literature in individuals affected with NIN-related conditions. An algorithm developed to predict the effect of missense changes on protein structure and function (PolyPhen-2) suggests that this variant is likely to be tolerated. In summary, the available evidence is currently insufficient to determine the role of this variant in disease. Therefore, it has been classified as a Variant of Uncertain Significance.

NM_020921.4(NIN):c.1989C>G (p.His663Gln)

Genes: NIN (ninein; minus strand), LOC130055602 (ATAC-STARR-seq lymphoblastoid active region 8362; plus strand). Cytogenetic location: 14q22.1.
Variant type: single nucleotide variant.
Coding change: c.1989C>G on transcript NM_020921.4 (MANE Select); coding-DNA position 1989, C replaced by G.
Protein change: p.His663Gln; replaces histidine 663 with glutamine.
Molecular consequence: missense variant.
Genome position (GRCh38, 1-based): chr14:50,760,267, G>C on the plus strand (C>G on the coding strand, the complement: NIN is on the minus strand). VCF-style: chr14-50760267-G-C. GRCh37 (hg19) VCF-style: chr14-51226985-G-C.
Other names: c.1989C>G, p.His663Gln (NM_182944.3, NM_182946.2, NM_016350.5); short protein forms H663Q.
Identifiers: ClinVar variation 2981174 (VCV002981174.3), dbSNP rs557582869, ClinGen allele CA7182021.